The following is an entry in ClinVar:

ClinVar aggregate classification (germline): Uncertain significance (1 of 4 stars; one submission).

Conditions:
Inflammatory bowel disease 28. Also called: Inflammatory bowel disease 28, early onset, autosomal recessive. Identifiers: Orphanet 238569, MedGen C2751053, MONDO:0013153, OMIM 613148.

Submission:

Labcorp Genetics (formerly Invitae), Labcorp
Classification: Uncertain significance for Inflammatory bowel disease 28. Last evaluated: 2024-04-25. Review status: criteria provided, single submitter. Criteria: Invitae Variant Classification Sherloc (09022015). Collection method: clinical testing. Allele origin: germline.
Comment: This sequence change replaces threonine, which is neutral and polar, with proline, which is neutral and non-polar, at codon 227 of the IL10RA protein (p.Thr227Pro). This variant is present in population databases (rs772391754, gnomAD 0.008%). This variant has not been reported in the literature in individuals affected with IL10RA-related conditions. Advanced modeling of protein sequence and biophysical properties (such as structural, functional, and spatial information, amino acid conservation, physicochemical variation, residue mobility, and thermodynamic stability) performed at Invitae indicates that this missense variant is not expected to disrupt IL10RA protein function with a negative predictive value of 80%. In summary, the available evidence is currently insufficient to determine the role of this variant in disease. Therefore, it has been classified as a Variant of Uncertain Significance.

NM_001558.4(IL10RA):c.679A>C (p.Thr227Pro)

Gene: IL10RA (interleukin 10 receptor subunit alpha; plus strand). Cytogenetic location: 11q23.3.
Variant type: single nucleotide variant.
Coding change: c.679A>C on transcript NM_001558.4 (MANE Select); coding-DNA position 679, A replaced by C.
Protein change: p.Thr227Pro; replaces threonine 227 with proline.
Molecular consequence: missense variant. On other transcripts: non-coding transcript variant (1).
Genome position (GRCh38, 1-based): chr11:117,994,140, A>C. VCF-style: chr11-117994140-A-C. GRCh37 (hg19) VCF-style: chr11-117864855-A-C.
Other names: short protein forms T227P.
Identifiers: ClinVar variation 3703431 (VCV003703431.2).
Genomic context (GRCh38, chr11:117,994,140, plus strand): 5'-CCATCTGTCGCTTCCCGAAGTAACAAGGGGATGTGGTCTAAAGAGGAGTGCATCTCCCTC[A>C]CCAGGCAGTGTGAGTCAGCTGGGCTGCTCTCAGCATGGGGAGGGAGACTGGGAGGGCCTG-3'
Protein context (NP_001549.2, residues 217-237): MWSKEECISL[Thr227Pro]RQYFTVTNVI